The following is an entry in ClinVar:

NM_144997.7(FLCN):c.401G>A (p.Cys134Tyr)

Gene: FLCN (folliculin; minus strand). Cytogenetic location: 17p11.2.
Variant type: single nucleotide variant.
Coding change: c.401G>A on transcript NM_144997.7 (MANE Select); coding-DNA position 401, G replaced by A.
Protein change: p.Cys134Tyr; replaces cysteine 134 with tyrosine.
Molecular consequence: missense variant.
Genome position (GRCh38, 1-based): chr17:17,224,139, C>T on the plus strand (G>A on the coding strand, the complement: FLCN is on the minus strand). VCF-style: chr17-17224139-C-T. GRCh37 (hg19) VCF-style: chr17-17127453-C-T.
Other names: c.455G>A, p.Cys152Tyr (NM_001353229.2); c.401G>A, p.Cys134Tyr (NM_001353230.2, NM_001353231.2, NM_144606.7); short protein forms C134Y, C152Y.
Identifiers: ClinVar variation 3515632 (VCV003515632.1).
Genomic context (GRCh38, chr17:17,224,139, plus strand): 5'-TGGCTGAACACAAAGCCGTGCTGCTCATCTCCGAAGAAGATGGGGCCTTCACGGCCAGGG[C>T]AGACCTGGAGGGACACCGGCGACTCAGACAGCCCTTTCCTCGCTTAGTGACACCAAATCA-3'
Protein context (NP_659434.2, residues 124-144): ACVRSLSCEV[Cys134Tyr]PGREGPIFFG

ClinVar aggregate classification (germline): Uncertain significance (1 of 4 stars; one submission).

Conditions:
Hereditary cancer-predisposing syndrome. Also called: Tumor predisposition; Neoplastic Syndromes, Hereditary; Hereditary Cancer Syndrome; Hereditary neoplastic syndrome. Identifiers: Orphanet 140162, MedGen C0027672, MeSH D009386, MONDO:0015356.

gnomAD v4.1: 1 of 1,585,656 alleles (0.000063%); highest among the groups gnomAD compares: Non-Finnish European, 0.000086%; no homozygotes.

Submission:

Ambry Genetics
Classification: Uncertain significance for Hereditary cancer-predisposing syndrome. Last evaluated: 2024-07-28. Review status: criteria provided, single submitter. Criteria: Ambry Variant Classification Scheme 2023. Collection method: clinical testing. Allele origin: germline.
Comment: The p.C134Y variant (also known as c.401G>A), located in coding exon 3 of the FLCN gene, results from a G to A substitution at nucleotide position 401. The cysteine at codon 134 is replaced by tyrosine, an amino acid with highly dissimilar properties. This amino acid position is conserved. In addition, this alteration is predicted to be deleterious by in silico analysis. Based on the available evidence, the clinical significance of this variant remains unclear.